The following is an entry in ClinVar:

NM_016247.4(IMPG2):c.2209G>A (p.Asp737Asn)

Gene: IMPG2 (interphotoreceptor matrix proteoglycan 2; minus strand). Cytogenetic location: 3q12.3.
Variant type: single nucleotide variant.
Coding change: c.2209G>A on transcript NM_016247.4 (MANE Select); coding-DNA position 2209, G replaced by A.
Protein change: p.Asp737Asn; replaces aspartic acid 737 with asparagine.
Molecular consequence: missense variant.
Genome position (GRCh38, 1-based): chr3:101,244,122, C>T on the plus strand (G>A on the coding strand, the complement: IMPG2 is on the minus strand). VCF-style: chr3-101244122-C-T. GRCh37 (hg19) VCF-style: chr3-100962966-C-T.
Other names: short protein forms D737N.
Identifiers: ClinVar variation 1345918 (VCV001345918.4), dbSNP rs759454561, ClinGen allele CA2519020.

ClinVar aggregate classification (germline): Uncertain significance. Review status: criteria provided, multiple submitters, no conflicts (2 of 4 stars). 2 submissions from 2 submitters: Uncertain significance (2). Last evaluated 2022-03-02.

Allele frequency attached by ClinVar (database versions not stated): gnomAD exomes below 0.00001 and 0.00001; ExAC 0.00001; gnomAD 0.00001; TOPMed 0.00001.
gnomAD v4.1: 5 of 1,613,944 alleles (0.00031%); highest among the groups gnomAD compares: Non-Finnish European, 0.00042%; no homozygotes.

Submissions (2):

Labcorp Genetics (formerly Invitae), Labcorp
Classification: Uncertain significance. Last evaluated: 2022-03-02. Review status: criteria provided, single submitter. Criteria: Invitae Variant Classification Sherloc (09022015). Collection method: clinical testing. Allele origin: germline.
Comment: This sequence change replaces aspartic acid, which is acidic and polar, with asparagine, which is neutral and polar, at codon 737 of the IMPG2 protein (p.Asp737Asn). This variant is present in population databases (rs759454561, gnomAD 0.0009%). This variant has not been reported in the literature in individuals affected with IMPG2-related conditions. Algorithms developed to predict the effect of missense changes on protein structure and function output the following: SIFT: "Tolerated"; PolyPhen-2: "Benign"; Align-GVGD: "Class C0". The asparagine amino acid residue is found in multiple mammalian species, which suggests that this missense change does not adversely affect protein function. In summary, the available evidence is currently insufficient to determine the role of this variant in disease. Therefore, it has been classified as a Variant of Uncertain Significance.

Blueprint Genetics
Classification: Uncertain significance. Last evaluated: 2019-05-29. Review status: criteria provided, single submitter. Criteria: ACMG Guidelines, 2015. Collection method: clinical testing. Allele origin: germline.